The following continues an entry in ClinVar:

NM_007194.4(CHEK2):c.1420C>T (p.Arg474Cys)

Gene: CHEK2. ClinVar aggregate classification (germline): Conflicting classifications of pathogenicity. Likely pathogenic (7); Uncertain significance (13).

Submissions 21 to 24 of 24:

Department of Genetics, HCU Lozano Blesa
Classification: Likely pathogenic for CHEK2-related cancer predisposition. Last evaluated: 2023-05-01. Review status: no assertion criteria provided. Collection method: clinical testing. Allele origin: germline. Affected: yes. Observed: 1 variant allele. Not counted in ClinVar's aggregate classification.
Comment: Variant summary: CHEK2 c.1420C>T results in the replacement of Arg474 by a Cys residue (p.Arg474Cys). The variant was identified in 1 out of 396 patients analysed (freq: 0.0025, doi: 10.3389/fgene.2023.1274108). Two second-degree relatives were also diagnosed with BC, although a co-segregation study could not be performed. Arg474 is located in the kinase domain and appears well conserved in vertebrate species. The replacement of Arg474 by a cysteine could affect the interaction with some residues at the dimerization interface, particularly with Ala392. It thus may affect the protein integrity and therefore its function. In addition, Arg474, forms a cation/π interaction with Trp411 (at the same monomer) and a salt bridge with Glu394 (at the partner monomer). Replacement of Arg474 with a cysteine residue will therefore remove the indicated stabilizing interactions of Arg474. The variant is reported in gnomAD v4 in 32 cases out of 1595950 alleles analysed (freq=2.0x10-3 %). In ClinVar a dozen of reports appear classifying the variant as of Uncertain Significance, whereas in 3 reports the submitters have suggested the classification of Likely Pathogenic. Other replacements found at this position (R474L, R474G, R474S and R474H) are classified by ClinVar as of either Uncertain Significance or Conflicting Interpretation. The metapredictor PirePred (relies on verdicts from other 15 predictor or metapredictor tools) and the AI-based predictor AlphaMissense classify Arg474Cys as Pathogenic, whereas the ACMG classification tool Franklin suggests this variant as Likely Pathogenic. Our in-silico study on the protein stability based on relaxation molecular dynamics simulations (doi: 10.3389/fgene.2023.1274108) indicates that Arg474Cys induces conformational unstability on CHEK2 protein. Moreover, Stolarova L. et al’s functional study on KAP1 phosphorylation and CHEK2 autophosphorylation protein capability reports this variant as functionally impaired (PMID: 37449874). In summary, we believe this variant have more chances of being Pathogenic.

Clinical Genetics Laboratory, Department of Pathology, Netherlands Cancer Institute
Classification: Uncertain significance. Review status: no assertion criteria provided. Collection method: clinical testing. Allele origin: germline. Affected: yes. Study: VKGL Data-share Consensus. Not counted in ClinVar's aggregate classification.

Department of Molecular and Medical Genetics, Osaka Medical Center for Cancer and Cardiovascular Diseases
Classification: Likely pathogenic for Lung cancer; Familial cancer of breast; Familial prostate cancer; Colorectal cancer. Review status: no assertion criteria provided. Collection method: research. Allele origin: germline, not applicable. Affected: yes. Observed: 1 variant allele, 1 homozygote. Not counted in ClinVar's aggregate classification.
Comment: This variant was homozygous in both patients.

Joint Genome Diagnostic Labs from Nijmegen and Maastricht, Radboudumc and MUMC+
Classification: Uncertain significance. Review status: no assertion criteria provided. Collection method: clinical testing. Allele origin: germline. Affected: yes. Study: VKGL Data-share Consensus. Not counted in ClinVar's aggregate classification.

Literature cited by the submitters: PubMed 37449874 (cited by 6 submitters); PubMed 30851065 (cited by 8 submitters); PubMed 19782031 (cited by 3 submitters); PubMed 22138346 (cited by Dasa and Ambry Genetics); PubMed 30426508 (cited by 6 submitters); PubMed 27900359 (cited by 8 submitters); PubMed 29520813 (cited by 5 submitters); PubMed 28580595 (cited by 5 submitters); PubMed 30287823 (cited by 8 submitters); PubMed 26094658 (cited by Dasa and Ambry Genetics); PubMed 31159747 (cited by 4 submitters); PubMed 25980754 (cited by 6 submitters); PubMed 30269267 (cited by Dasa); PubMed 31703574 (cited by Dasa); PubMed 30858171 (cited by Dasa); PubMed 26506619 (cited by Dasa and Ambry Genetics); PubMed 33309985 (cited by Labcorp Genetics (formerly Invitae), Labcorp and Quest Diagnostics Nichols Institute San Juan Capistrano); PubMed 33471991 (cited by 4 submitters); PubMed 40403485 (cited by Women's Health and Genetics/Laboratory Corporation of America, LabCorp); PubMed 38476463 (cited by Women's Health and Genetics/Laboratory Corporation of America, LabCorp); PubMed 38362852 (cited by Women's Health and Genetics/Laboratory Corporation of America, LabCorp); PubMed 39356959 (cited by Women's Health and Genetics/Laboratory Corporation of America, LabCorp); PubMed 34991090 (cited by 3 submitters); PubMed 15060014 (cited by Color Diagnostics, LLC DBA Color Health); PubMed 29522266 (cited by Color Diagnostics, LLC DBA Color Health and Department of Pathology and Laboratory Medicine, Sinai Health System); PubMed 32980964 (cited by Department of Pathology and Laboratory Medicine, Sinai Health System); PubMed 25085752 (cited by Myriad Genetics, Inc.); PubMed 32980694 (cited by Quest Diagnostics Nichols Institute San Juan Capistrano); DOI 10.3389/fgene.2023.1274108 (cited by Department of Genetics, HCU Lozano Blesa).